The following is an entry in ClinVar:

NM_001111.5(ADAR):c.365G>A (p.Gly122Asp)

Gene: ADAR (adenosine deaminase RNA specific; minus strand). Cytogenetic location: 1q21.3.
Variant type: single nucleotide variant.
Coding change: c.365G>A on transcript NM_001111.5 (MANE Select); coding-DNA position 365, G replaced by A.
Protein change: p.Gly122Asp; replaces glycine 122 with aspartic acid.
Molecular consequence: missense variant. On other transcripts: 5 prime UTR variant (3), intron variant (3).
Genome position (GRCh38, 1-based): chr1:154,602,277, C>T on the plus strand (G>A on the coding strand, the complement: ADAR is on the minus strand). VCF-style: chr1-154602277-C-T. GRCh37 (hg19) VCF-style: chr1-154574753-C-T.
Other names: c.-521G>A (NM_001025107.3, NM_001193495.2, NM_001365048.1); c.392G>A, p.Gly131Asp (NM_001365045.1); c.365G>A, p.Gly122Asp (NM_015840.4, NM_015841.4); c.-492-29G>A (NM_001365046.1, NM_001365049.1, NM_001365047.1); short protein forms G122D, G131D.
Identifiers: ClinVar variation 2085862 (VCV002085862.4), dbSNP rs2526667320, ClinGen allele CA342603925.

ClinVar aggregate classification (germline): Uncertain significance (1 of 4 stars; one submission).

Conditions:
Aicardi-Goutieres syndrome 6 (AGS6). Identifiers: Orphanet 51, MedGen C3539013, MONDO:0014007, OMIM 615010.
Symmetrical dyschromatosis of extremities (DSH). Also called: RETICULATE ACROPIGMENTATION OF DOHI; SYMMETRIC DYSCHROMATOSIS OF THE EXTREMITIES; Dyschromatosis symmetrica hereditaria; DYSCHROMATOSIS SYMMETRICA HEREDITARIA 1. Identifiers: Orphanet 41, MedGen C0406775, MONDO:0007483, OMIM 127400.

Allele frequency attached by ClinVar (database versions not stated): gnomAD exomes below 0.00001.
gnomAD v4.1: 2 of 1,614,210 alleles (0.00012%); highest among the groups gnomAD compares: Middle Eastern, 0.016%; no homozygotes.

Submission:

Labcorp Genetics (formerly Invitae), Labcorp
Classification: Uncertain significance for Aicardi-Goutieres syndrome 6; Symmetrical dyschromatosis of extremities. Last evaluated: 2022-08-05. Review status: criteria provided, single submitter. Criteria: Invitae Variant Classification Sherloc (09022015). Collection method: clinical testing. Allele origin: germline.
Comment: This sequence change replaces glycine, which is neutral and non-polar, with aspartic acid, which is acidic and polar, at codon 122 of the ADAR protein (p.Gly122Asp). In summary, the available evidence is currently insufficient to determine the role of this variant in disease. Therefore, it has been classified as a Variant of Uncertain Significance. Algorithms developed to predict the effect of missense changes on protein structure and function output the following: SIFT: "Tolerated"; PolyPhen-2: "Benign"; Align-GVGD: "Class C0". The aspartic acid amino acid residue is found in multiple mammalian species, which suggests that this missense change does not adversely affect protein function. This variant has not been reported in the literature in individuals affected with ADAR-related conditions. This variant is not present in population databases (gnomAD no frequency).